The following is an entry in ClinVar:

ClinVar aggregate classification (germline): Pathogenic (1 of 4 stars; one submission).

Submission:

Labcorp Genetics (formerly Invitae), Labcorp
Classification: Pathogenic. Last evaluated: 2025-11-06. Review status: criteria provided, single submitter. Criteria: Invitae Variant Classification Sherloc (09022015). Collection method: clinical testing. Allele origin: germline.
Comment: This sequence change creates a premature translational stop signal (p.Trp626*) in the SLC12A1 gene. It is expected to result in an absent or disrupted protein product. Loss-of-function variants in SLC12A1 are known to be pathogenic (PMID: 8640224, 9585600, 19096086). This variant is not present in population databases (gnomAD no frequency). This premature translational stop signal has been observed in individual(s) with SLC12A1-related conditions (PMID: 31672324). For these reasons, this variant has been classified as Pathogenic.

Literature cited by the submitters: PubMed 8640224; PubMed 9585600; PubMed 19096086; PubMed 31672324.

NM_000338.3(SLC12A1):c.1877G>A (p.Trp626Ter)

Genes: SLC12A1 (solute carrier family 12 member 1; plus strand), LOC126862123 (CDK7 strongly-dependent group 2 enhancer GRCh37_chr15:48543423-48544622; plus strand). Cytogenetic location: 15q21.1.
Variant type: single nucleotide variant.
Coding change: c.1877G>A on transcript NM_000338.3 (MANE Select); coding-DNA position 1877, G replaced by A.
Protein change: p.Trp626Ter; replaces tryptophan 626 with a stop codon.
Molecular consequence: nonsense.
Genome position (GRCh38, 1-based): chr15:48,251,705, G>A. VCF-style: chr15-48251705-G-A. GRCh37 (hg19) VCF-style: chr15-48543902-G-A.
Other names: c.1877G>A, p.Trp626Ter (NM_001184832.2, NM_001384136.1); short protein forms W626*.
Identifiers: ClinVar variation 4728974 (VCV004728974.1).